The following is an entry in ClinVar:

NM_020461.4(TUBGCP6):c.1867del (p.Arg623fs)

Gene: TUBGCP6 (tubulin gamma complex component 6; minus strand). Cytogenetic location: 22q13.33.
Variant type: Deletion.
Coding change: c.1867del on transcript NM_020461.4 (MANE Select); coding-DNA position 1867, one base deleted (C; older notation c.1867delC).
Protein change: p.Arg623fs; shifts the reading frame from arginine 623.
Molecular consequence: frameshift variant.
Genome position (GRCh38, 1-based): chr22:50,225,910, G deleted on the plus strand (C on the coding strand, the reverse complement: TUBGCP6 is on the minus strand); the first of 5 consecutive G bases (chr22:50,225,910-50,225,914); deleting any one gives the same sequence. VCF-style (leftmost placement, unchanged base first): chr22-50225909-CG-C. GRCh37 (hg19) VCF-style: chr22-50664338-CG-C.
Other names: short protein forms R623fs.
Identifiers: ClinVar variation 4880666 (VCV004880666.2).

ClinVar aggregate classification (germline): Likely pathogenic (1 of 4 stars; one submission).

Conditions:
Microcephaly and chorioretinopathy 1. Also called: Microcephaly and chorioretinopathy, autosomal recessive, 1. Identifiers: MedGen C3278481, MONDO:0009624, OMIM 251270.

Submission:

Dasa
Classification: Likely pathogenic for Microcephaly and chorioretinopathy 1. Last evaluated: 2025-02-27. Review status: criteria provided, single submitter. Criteria: DASA Assertion Criteria. Collection method: clinical testing. Allele origin: germline.
Comment: NM_020461.4(TUBGCP6):c.1867del (p.Arg623Glyfs*4) is a frameshift variant in TUBGCP6 predicted to alter the reading frame and introduce a premature termination codon and is predicted to result in an absent or altered protein product. Loss of function is an established disease mechanism for TUBGCP6-associated disorders. Also, this variant is absent from population databases. Based on the currently available evidence, this variant is classified as likely pathogenic.